The following is an entry in ClinVar:

ClinVar aggregate classification (germline): Uncertain significance (1 of 4 stars; one submission).

Submission:

Labcorp Genetics (formerly Invitae), Labcorp
Classification: Uncertain significance. Last evaluated: 2022-07-12. Review status: criteria provided, single submitter. Criteria: Invitae Variant Classification Sherloc (09022015). Collection method: clinical testing. Allele origin: germline.
Comment: ClinVar contains an entry for this variant (Variation ID: 1378788). This variant has not been reported in the literature in individuals affected with TAOK2-related conditions. This variant is not present in population databases (gnomAD no frequency). This sequence change replaces phenylalanine, which is neutral and non-polar, with serine, which is neutral and polar, at codon 639 of the TAOK2 protein (p.Phe639Ser). Algorithms developed to predict the effect of missense changes on protein structure and function (SIFT, PolyPhen-2, Align-GVGD) all suggest that this variant is likely to be tolerated. In summary, the available evidence is currently insufficient to determine the role of this variant in disease. Therefore, it has been classified as a Variant of Uncertain Significance.

NM_016151.4(TAOK2):c.1916T>C (p.Phe639Ser)

Gene: TAOK2 (TAO kinase 2; plus strand). Cytogenetic location: 16p11.2.
Variant type: single nucleotide variant.
Coding change: c.1916T>C on transcript NM_016151.4 (MANE Select); coding-DNA position 1916, T replaced by C.
Protein change: p.Phe639Ser; replaces phenylalanine 639 with serine.
Molecular consequence: missense variant.
Genome position (GRCh38, 1-based): chr16:29,985,785, T>C. VCF-style: chr16-29985785-T-C. GRCh37 (hg19) VCF-style: chr16-29997106-T-C.
Other names: c.1916T>C, p.Phe639Ser (NM_001252043.2, NM_004783.4); short protein forms F639S.
Identifiers: ClinVar variation 1378788 (VCV001378788.6), dbSNP rs2150901292, ClinGen allele CA395487891.